The following is an entry in ClinVar:

NM_173086.5(KRT6C):c.1269T>C (p.Ala423=)

Gene: KRT6C (keratin 6C; minus strand). Cytogenetic location: 12q13.13.
Variant type: single nucleotide variant.
Coding change: c.1269T>C on transcript NM_173086.5 (MANE Select); coding-DNA position 1269, T replaced by C.
Protein change: p.Ala423=; no amino-acid change (alanine 423 retained).
Molecular consequence: synonymous variant.
Genome position (GRCh38, 1-based): chr12:52,469,825, A>G on the plus strand (T>C on the coding strand, the complement: KRT6C is on the minus strand). VCF-style: chr12-52469825-A-G. GRCh37 (hg19) VCF-style: chr12-52863609-A-G.
Identifiers: ClinVar variation 3536126 (VCV003536126.10).

ClinVar aggregate classification (germline): Likely benign. Review status: criteria provided, multiple submitters, no conflicts (2 of 4 stars). 4 submissions from 4 submitters: Likely benign (4). Last evaluated 2025-09-01.

Conditions:
Inborn genetic diseases. Identifiers: MedGen C0950123, MeSH D030342.

Submissions (4):

CeGaT Center for Human Genetics Tuebingen
Classification: Likely benign. Last evaluated: 2025-09-01. Review status: criteria provided, single submitter. Criteria: CeGaT Center For Human Genetics Tuebingen Variant Classification Criteria Version 2. Collection method: clinical testing. Allele origin: germline. Affected: yes. Observed: 1 variant allele.
Comment: KRT6C: BP4, BP7

Labcorp Genetics (formerly Invitae), Labcorp
Classification: Likely benign. Last evaluated: 2025-08-03. Review status: criteria provided, single submitter. Criteria: Invitae Variant Classification Sherloc (09022015). Collection method: clinical testing. Allele origin: germline.

Ambry Genetics
Classification: Likely benign for Inborn genetic diseases. Last evaluated: 2024-11-10. Review status: criteria provided, single submitter. Criteria: Ambry Variant Classification Scheme 2023. Collection method: clinical testing. Allele origin: germline.

Blueprint Genetics
Classification: Likely benign. Last evaluated: 2024-10-16. Review status: criteria provided, single submitter. Criteria: ACMG Guidelines, 2015. Collection method: clinical testing. Allele origin: germline.